The following is an entry in ClinVar:

ClinVar aggregate classification (germline): Uncertain significance (1 of 4 stars; one submission).

Conditions:
Hyperprolinemia type 2 (HYRPRO2). Also called: 1-PYRROLINE-5-CARBOXYLATE DEHYDROGENASE DEFICIENCY; Deficiency of pyrroline-5-carboxylate reductase; Delta-1-pyrroline-5-carboxylate dehydrogenase deficiency. Identifiers: Orphanet 79101, MedGen C2931835, MONDO:0009401, OMIM 239510.

Allele frequency attached by ClinVar (database versions not stated): gnomAD 0.00001; ExAC 0.00002; gnomAD exomes 0.00003 and 0.00004; TOPMed 0.00003.
gnomAD v4.1: 45 of 1,613,038 alleles (0.0028%); highest among the groups gnomAD compares: Non-Finnish European, 0.0031%; no homozygotes.

Submission:

Labcorp Genetics (formerly Invitae), Labcorp
Classification: Uncertain significance for Hyperprolinemia type 2. Last evaluated: 2022-03-22. Review status: criteria provided, single submitter. Criteria: Invitae Variant Classification Sherloc (09022015). Collection method: clinical testing. Allele origin: germline.
Comment: In summary, the available evidence is currently insufficient to determine the role of this variant in disease. Therefore, it has been classified as a Variant of Uncertain Significance. Algorithms developed to predict the effect of sequence changes on RNA splicing suggest that this variant may create or strengthen a splice site. Algorithms developed to predict the effect of missense changes on protein structure and function (SIFT, PolyPhen-2, Align-GVGD) all suggest that this variant is likely to be disruptive. This variant has not been reported in the literature in individuals affected with ALDH4A1-related conditions. This variant is present in population databases (rs199643601, gnomAD 0.02%). This sequence change replaces alanine, which is neutral and non-polar, with valine, which is neutral and non-polar, at codon 220 of the ALDH4A1 protein (p.Ala220Val).

NM_003748.4(ALDH4A1):c.659C>T (p.Ala220Val)

Gene: ALDH4A1 (aldehyde dehydrogenase 4 family member A1; minus strand). Cytogenetic location: 1p36.13.
Variant type: single nucleotide variant.
Coding change: c.659C>T on transcript NM_003748.4 (MANE Select); coding-DNA position 659, C replaced by T.
Protein change: p.Ala220Val; replaces alanine 220 with valine.
Molecular consequence: missense variant.
Genome position (GRCh38, 1-based): chr1:18,883,143, G>A on the plus strand (C>T on the coding strand, the complement: ALDH4A1 is on the minus strand). VCF-style: chr1-18883143-G-A. GRCh37 (hg19) VCF-style: chr1-19209637-G-A.
Other names: c.479C>T, p.Ala160Val (NM_001161504.2); c.659C>T, p.Ala220Val (NM_001319218.2, NM_170726.3); short protein forms A160V, A220V.
Identifiers: ClinVar variation 1470647 (VCV001470647.6), dbSNP rs199643601, ClinGen allele CA647283.
Genomic context (GRCh38, chr1:18,883,143, plus strand): 5'-GACAACCAGCTGCCGCTGTCCCACCTGTGCCCACATCTCACCATCAGGGCCGGTGCCCCC[G>A]CCAGGTTGCCGCCGATTGCAGTGAAGTTAAAGGGCGAGATGGCCGCCACGAAGCCCTGGG-3'
Protein context (NP_003739.2, residues 210-230): FNFTAIGGNL[Ala220Val]GAPALMGNVV